The following is an entry in ClinVar:

ClinVar aggregate classification (germline): Uncertain significance (1 of 4 stars; one submission).

Conditions:
Gorlin syndrome. Also called: Basal cell nevus syndrome; Nevoid Basal Cell Carcinoma Syndrome. Identifiers: Orphanet 377, MedGen C0004779, MONDO:0007187.

Submission:

Labcorp Genetics (formerly Invitae), Labcorp
Classification: Uncertain significance for Gorlin syndrome. Last evaluated: 2021-02-14. Review status: criteria provided, single submitter. Criteria: Invitae Variant Classification Sherloc (09022015). Collection method: clinical testing. Allele origin: germline.
Comment: In summary, the available evidence is currently insufficient to determine the role of this variant in disease. Therefore, it has been classified as a Variant of Uncertain Significance. Nucleotide substitutions within the consensus splice site are a relatively common cause of aberrant splicing (PMID: 17576681, 9536098). Algorithms developed to predict the effect of sequence changes on RNA splicing suggest that this variant is not likely to affect RNA splicing, but this prediction has not been confirmed by published transcriptional studies. This variant has not been reported in the literature in individuals with PTCH1-related conditions. This variant is not present in population databases (ExAC no frequency). This sequence change falls in intron 13 of the PTCH1 gene. It does not directly change the encoded amino acid sequence of the PTCH1 protein. It affects a nucleotide within the consensus splice site of the intron.

Literature cited by the submitters: PubMed 17576681; PubMed 9536098.

NM_000264.5(PTCH1):c.1847+6T>C

Genes: PTCH1 (patched 1; minus strand), LOC100507346 (uncharacterized LOC100507346; plus strand). Cytogenetic location: 9q22.32.
Variant type: single nucleotide variant.
Coding change: c.1847+6T>C on transcript NM_000264.5 (MANE Select); 6 bases into the intron after coding-DNA position 1847, T replaced by C.
Molecular consequence: intron variant. On other transcripts: non-coding transcript variant (1).
Genome position (GRCh38, 1-based): chr9:95,469,807, A>G on the plus strand (T>C on the coding strand, the complement: PTCH1 is on the minus strand). VCF-style: chr9-95469807-A-G. GRCh37 (hg19) VCF-style: chr9-98232089-A-G.
Other names: c.1844+6T>C (NM_001083603.3); c.1649+6T>C (NM_001083602.3); c.1691+6T>C (NM_001354918.2); c.1394+6T>C (NM_001083605.3, NM_001083604.3, NM_001083606.3 and 1 more transcripts).
Identifiers: ClinVar variation 1510188 (VCV001510188.6), dbSNP rs2118087853, ClinGen allele CA2573144911.